The following is an entry in ClinVar:

NM_020458.4(TTC7A):c.1919+2dup

Gene: TTC7A (tetratricopeptide repeat domain 7A; plus strand). Cytogenetic location: 2p21.
Variant type: Duplication.
Coding change: c.1919+2dup on transcript NM_020458.4 (MANE Select); the canonical splice donor site of the intron after coding-DNA position 1919, one base duplicated (T; older notation c.1919+2dupT).
Molecular consequence: splice donor variant.
Genome position (GRCh38, 1-based): chr2:47,046,433, T duplicated. VCF-style (leftmost placement, unchanged base first): chr2-47046432-G-GT. GRCh37 (hg19) VCF-style: chr2-47273571-G-GT.
Other names: c.1817+2dup (NM_001288953.2); c.1919+2dup (NM_001288951.2); c.857+2dup (NM_001288955.2).
Identifiers: ClinVar variation 3383392 (VCV003383392.2).

ClinVar aggregate classification (germline): Pathogenic (1 of 4 stars; one submission).

Submission:

Centre of Medical Genetics, University Hospital Muenster
Classification: Pathogenic. Last evaluated: 2024-10-01. Review status: criteria provided, single submitter. Criteria: ACMG Guidelines, 2015. Collection method: clinical testing. Allele origin: unknown. Affected: yes. Observed: 1 variant allele, 1 heterozygote.
Comment: ACMG categories: PVS1,PM2,PM3,PP3